The following is an entry in ClinVar:

ClinVar aggregate classification (germline): Pathogenic (1 of 4 stars; one submission).

Conditions:
Autosomal recessive axonal neuropathy with neuromyotonia (NMAN). Also called: MYOKYMIA, MYOTONIA, AND MUSCLE WASTING; Gamstorp-Wohlfart syndrome; Neuromyotonia and axonal neuropathy, autosomal recessive. Identifiers: Orphanet 324442, MedGen C5700127, MONDO:0007646, OMIM 137200.

Submission:

Labcorp Genetics (formerly Invitae), Labcorp
Classification: Pathogenic for Autosomal recessive axonal neuropathy with neuromyotonia. Last evaluated: 2019-06-22. Review status: criteria provided, single submitter. Criteria: Invitae Variant Classification Sherloc (09022015). Collection method: clinical testing. Allele origin: germline.
Comment: A gross deletion of the genomic region encompassing the full coding sequence of the HINT1 gene has been identified. The boundaries of this event are unknown as the deletion extends beyond the assayed region for this gene and therefore may encompass additional genes. This variant has not been reported in the literature in individuals with HINT1-related conditions. Loss-of-function variants in HINT1 are known to be pathogenic (PMID: 22961002, 25342199, 26059562). For these reasons, this variant has been classified as Pathogenic.

Literature cited by the submitters: PubMed 22961002; PubMed 25342199; PubMed 26059562.

NC_000005.9:g.(?_130495140)_130500898del

Gene: HINT1 (histidine triad nucleotide binding protein 1; minus strand).
Variant type: Deletion.
Identifiers: ClinVar variation 1073842 (VCV001073842.2).